The following is an entry in ClinVar:

ClinVar aggregate classification (germline): Uncertain significance (1 of 4 stars; one submission).

Allele frequency attached by ClinVar (database versions not stated): TOPMed 0.00002.
gnomAD v4.1: 6 of 1,613,376 alleles (0.00037%); highest among the groups gnomAD compares: Admixed American, 0.0083%; no homozygotes.

Submissions (2):

Labcorp Genetics (formerly Invitae), Labcorp
Classification: Uncertain significance. Last evaluated: 2025-01-06. Review status: criteria provided, single submitter. Criteria: Invitae Variant Classification Sherloc (09022015). Collection method: clinical testing. Allele origin: germline.
Comment: This sequence change replaces aspartic acid, which is acidic and polar, with valine, which is neutral and non-polar, at codon 647 of the RBBP8 protein (p.Asp647Val). This variant is present in population databases (rs571121362, gnomAD 0.009%). This variant has not been reported in the literature in individuals affected with RBBP8-related conditions. ClinVar contains an entry for this variant (Variation ID: 1907456). An algorithm developed to predict the effect of missense changes on protein structure and function (PolyPhen-2) suggests that this variant is likely to be disruptive. In summary, the available evidence is currently insufficient to determine the role of this variant in disease. Therefore, it has been classified as a Variant of Uncertain Significance.

Dr. Peter K. Rogan Lab, Western University
No classification provided (evidence only). Condition: Gastric cancer. Review status: no classification provided. Collection method: in vitro. Allele origin: not applicable. Functional consequence: retained intron. Not counted in ClinVar's aggregate classification.

NM_002894.3(RBBP8):c.1940A>T (p.Asp647Val)

Gene: RBBP8 (RB binding protein 8, endonuclease; plus strand). Cytogenetic location: 18q11.2.
Variant type: single nucleotide variant.
Coding change: c.1940A>T on transcript NM_002894.3 (MANE Select); coding-DNA position 1940, A replaced by T.
Protein change: p.Asp647Val; replaces aspartic acid 647 with valine.
Molecular consequence: missense variant.
Genome position (GRCh38, 1-based): chr18:22,996,374, A>T. VCF-style: chr18-22996374-A-T. GRCh37 (hg19) VCF-style: chr18-20576337-A-T.
Other names: c.1940A>T, p.Asp647Val (NM_203291.2, NM_203292.2); short protein forms D647V.
Identifiers: ClinVar variation 1907456 (VCV001907456.4), dbSNP rs571121362, ClinGen allele CA8910192.